The following is an entry in ClinVar:

NM_002863.5(PYGL):c.528+2T>C

Gene: PYGL (glycogen phosphorylase L; minus strand). Cytogenetic location: 14q22.1.
Variant type: single nucleotide variant.
Coding change: c.528+2T>C on transcript NM_002863.5 (MANE Select); the canonical splice donor site of the intron after coding-DNA position 528, T replaced by C.
Molecular consequence: splice donor variant.
Genome position (GRCh38, 1-based): chr14:50,931,671, A>G on the plus strand (T>C on the coding strand, the complement: PYGL is on the minus strand). VCF-style: chr14-50931671-A-G. GRCh37 (hg19) VCF-style: chr14-51398389-A-G.
Other names: c.426+2T>C (NM_001163940.2).
Identifiers: ClinVar variation 1029651 (VCV001029651.1), dbSNP rs1243388778, ClinGen allele CA389695344.

ClinVar aggregate classification (germline): Pathogenic (1 of 4 stars; one submission).

Conditions:
Glycogen storage disease, type VI (GSD6). Also called: Glycogen storage disease type 6; Hepatic glycogen phosphorylase deficiency; Glycogen storage disease type 6, due to phosphorylation; GSD VI; HERS DISEASE; PHOSPHORYLASE DEFICIENCY GLYCOGEN-STORAGE DISEASE OF LIVER. Identifiers: Orphanet 369, MedGen C0017925, MONDO:0009294, OMIM 232700.

Allele frequency attached by ClinVar (database versions not stated): gnomAD exomes below 0.00001.
gnomAD v4.1: 1 of 1,611,300 alleles (0.000062%); highest among the groups gnomAD compares: Admixed American, 0.0017%; no homozygotes.

Submission:

Baylor Genetics
Classification: Pathogenic for Glycogen storage disease, type VI. Last evaluated: 2020-02-03. Review status: criteria provided, single submitter. Criteria: ACMG Guidelines, 2015. Collection method: clinical testing. Allele origin: unknown. Affected: yes.
Comment: This variant was determined to be pathogenic according to ACMG Guidelines, 2015 [PMID:25741868].